The following is an entry in ClinVar:

ClinVar aggregate classification (germline): Pathogenic/Likely pathogenic. Review status: criteria provided, multiple submitters, no conflicts (2 of 4 stars). 3 submissions from 3 submitters: Pathogenic (2); Likely pathogenic (1). Last evaluated 2026-04-01.

Conditions:
Neurofibromatosis, type 1 (NF1). Also called: Neurofibromatosis, type I; VON RECKLINGHAUSEN DISEASE; NEUROFIBROMATOSIS, TYPE I, SOMATIC; Peripheral type neurofibromatosis. Identifiers: Orphanet 636, MedGen C0027831, MONDO:0018975, OMIM 162200. Disease mechanism: loss of function.
Hereditary cancer-predisposing syndrome. Also called: Hereditary neoplastic syndrome; Tumor predisposition; Neoplastic Syndromes, Hereditary; Hereditary Cancer Syndrome. Identifiers: Orphanet 140162, MedGen C0027672, MeSH D009386, MONDO:0015356.
Cardiovascular phenotype. Identifiers: MedGen CN230736.

Submissions (3):

Department of Genetics, Sultan Qaboos University Hospital
Classification: Pathogenic for Neurofibromatosis, type 1. Last evaluated: 2026-04-01. Review status: criteria provided, single submitter. Criteria: ACMG Guidelines, 2015. Collection method: clinical testing. Allele origin: germline. Affected: yes. Observed: 1 variant allele.
Comment: PS1_Very_Strong,PM1,PM2,PP3_Strong,PP5_Very_Strong

Labcorp Genetics (formerly Invitae), Labcorp
Classification: Pathogenic for Neurofibromatosis, type 1. Last evaluated: 2025-04-23. Review status: criteria provided, single submitter. Criteria: Invitae Variant Classification Sherloc (09022015). Collection method: clinical testing. Allele origin: germline.
Comment: This sequence change replaces tryptophan, which is neutral and slightly polar, with arginine, which is basic and polar, at codon 223 of the NF1 protein (p.Trp223Arg). This variant is not present in population databases (gnomAD no frequency). This missense change has been observed in individual(s) with neurofibromatosis type 1 (PMID: 16944272, 29566708, 31370276). ClinVar contains an entry for this variant (Variation ID: 1754853). Invitae Evidence Modeling of protein sequence and biophysical properties (such as structural, functional, and spatial information, amino acid conservation, physicochemical variation, residue mobility, and thermodynamic stability) indicates that this missense variant is expected to disrupt NF1 protein function with a positive predictive value of 95%. For these reasons, this variant has been classified as Pathogenic.

Ambry Genetics
Classification: Likely pathogenic for Cardiovascular phenotype; Hereditary cancer-predisposing syndrome. Last evaluated: 2017-12-07. Review status: criteria provided, single submitter. Criteria: Ambry Variant Classification Scheme 2023. Collection method: clinical testing. Allele origin: germline.
Comment: The p.W223R variant (also known as c.667T>A), located in coding exon 7 of the NF1 gene, results from a T to A substitution at nucleotide position 667. The tryptophan at codon 223 is replaced by arginine, an amino acid with dissimilar properties. This alteration was identified in two individuals who met diagnostic criteria for neurofibromatosis type 1; and it was reported as de novo in one of these individuals (Griffiths S et al. Fam. Cancer, 2007;6:21-34 and Cal&igrave; F et al. Eur J Med Genet, 2017 Feb;60:93-99). This amino acid position is highly conserved in available vertebrate species. In addition, this alteration is predicted to be deleterious by in silico analysis. Based on the majority of available evidence to date, this variant is likely to be pathogenic.

Literature cited by the submitters: PubMed 16944272 (cited by Labcorp Genetics (formerly Invitae), Labcorp); PubMed 29566708 (cited by Labcorp Genetics (formerly Invitae), Labcorp); PubMed 31370276 (cited by Labcorp Genetics (formerly Invitae), Labcorp).

NM_001042492.3(NF1):c.667T>A (p.Trp223Arg)

Gene: NF1 (neurofibromin 1; plus strand). Cytogenetic location: 17q11.2.
Variant type: single nucleotide variant.
Coding change: c.667T>A on transcript NM_001042492.3 (MANE Select); coding-DNA position 667, T replaced by A.
Protein change: p.Trp223Arg; replaces tryptophan 223 with arginine.
Molecular consequence: missense variant.
Genome position (GRCh38, 1-based): chr17:31,181,722, T>A. VCF-style: chr17-31181722-T-A. GRCh37 (hg19) VCF-style: chr17-29508740-T-A.
Other names: c.667T>A, p.Trp223Arg (NM_000267.4, NM_001128147.3); short protein forms W223R.
Identifiers: ClinVar variation 1754853 (VCV001754853.5), dbSNP rs1555608740, ClinGen allele CA398989716.